The following is an entry in ClinVar:

NM_001199397.3(NEK1):c.1080+4T>C

Gene: NEK1 (NIMA related kinase 1; minus strand). Cytogenetic location: 4q33.
Variant type: single nucleotide variant.
Coding change: c.1080+4T>C on transcript NM_001199397.3 (MANE Select); 4 bases into the intron after coding-DNA position 1080, T replaced by C.
Molecular consequence: intron variant.
Genome position (GRCh38, 1-based): chr4:169,562,133, A>G on the plus strand (T>C on the coding strand, the complement: NEK1 is on the minus strand). VCF-style: chr4-169562133-A-G. GRCh37 (hg19) VCF-style: chr4-170483284-A-G.
Other names: c.1080+4T>C (NM_012224.2, NM_001374421.1, NM_001374420.1 and 8 more transcripts).
Identifiers: ClinVar variation 1174975 (VCV001174975.17), dbSNP rs757527637, ClinGen allele CA3137866.
Genomic context (GRCh38, chr4:169,562,133, plus strand): 5'-TTTTGTTTCTTTTTTAAAATTATGTTTGCAAAGCTTTAAAATAACCAGACAGATGTCTTT[A>G]TACCTCAGATATTTTCCTCCTTTCTTCTCCAGTATTCACTCTCTTCTCTGGAGTTTGATG-3'

ClinVar aggregate classification (germline): Uncertain significance. Review status: criteria provided, multiple submitters, no conflicts (2 of 4 stars). 7 submissions from 7 submitters: Uncertain significance (2). 5 of the submissions do not count toward it. Last evaluated 2026-01-01.

Conditions:
NEK1-related disorder. Also called: NEK1-related condition.
Short-rib thoracic dysplasia 6 with or without polydactyly (SRTD6). Also called: POLYDACTYLY WITH NEONATAL CHONDRODYSTROPHY, TYPE II; Majewski Syndrome; SHORT RIB-POLYDACTYLY SYNDROME, TYPE IIA; SHORT-RIB THORACIC DYSPLASIA 6 WITH POLYDACTYLY; SHORT-RIB THORACIC DYSPLASIA 6 WITHOUT POLYDACTYLY. Identifiers: MedGen C0024507, MONDO:0009894, OMIM 263520.

Allele frequency attached by ClinVar (database versions not stated): gnomAD exomes 0.00007; TOPMed 0.00007; ExAC 0.00004; gnomAD 0.00007 and 0.00008.
gnomAD v4.1: 117 of 1,527,192 alleles (0.0077%); highest among the groups gnomAD compares: Non-Finnish European, 0.01%; no homozygotes.

Submissions (7):

CeGaT Center for Human Genetics Tuebingen
Classification: Uncertain significance. Last evaluated: 2026-01-01. Review status: criteria provided, single submitter. Criteria: CeGaT Center For Human Genetics Tuebingen Variant Classification Criteria Version 2. Collection method: clinical testing. Allele origin: germline. Affected: yes. Observed: 1 variant allele.
Comment: NEK1: PM2, BP4

Labcorp Genetics (formerly Invitae), Labcorp
Classification: Uncertain significance for Short-rib thoracic dysplasia 6 with or without polydactyly. Last evaluated: 2025-10-01. Review status: criteria provided, single submitter. Criteria: Invitae Variant Classification Sherloc (09022015). Collection method: clinical testing. Allele origin: germline.
Comment: This sequence change falls in intron 12 of the NEK1 gene. It does not directly change the encoded amino acid sequence of the NEK1 protein. It affects a nucleotide within the consensus splice site. This variant is present in population databases (rs757527637, gnomAD 0.02%). This variant has not been reported in the literature in individuals affected with NEK1-related conditions. ClinVar contains an entry for this variant (Variation ID: 1174975). Variants that disrupt the consensus splice site are a relatively common cause of aberrant splicing (PMID: 17576681, 9536098). Algorithms developed to predict the effect of sequence changes on RNA splicing suggest that this variant is not likely to affect RNA splicing. In summary, the available evidence is currently insufficient to determine the role of this variant in disease. Therefore, it has been classified as a Variant of Uncertain Significance.

PreventionGenetics, part of Exact Sciences
Classification: Likely benign for NEK1-related condition. Last evaluated: 2024-09-25. Review status: no assertion criteria provided. Collection method: clinical testing. Allele origin: germline. Not counted in ClinVar's aggregate classification.
Comment: This variant is classified as likely benign based on ACMG/AMP sequence variant interpretation guidelines (Richards et al. 2015 PMID: 25741868, with internal and published modifications).

Clinical Genetics DNA and cytogenetics Diagnostics Lab, Erasmus MC, Erasmus Medical Center
Classification: Likely benign. Review status: no assertion criteria provided. Collection method: clinical testing. Allele origin: germline. Affected: yes. Study: VKGL Data-share Consensus. Not counted in ClinVar's aggregate classification.

Diagnostic Laboratory, Department of Genetics, University Medical Center Groningen
Classification: Likely benign. Review status: no assertion criteria provided. Collection method: clinical testing. Allele origin: germline. Affected: yes. Study: VKGL Data-share Consensus. Not counted in ClinVar's aggregate classification.

Genome Diagnostics Laboratory, University Medical Center Utrecht
Classification: Likely benign. Review status: no assertion criteria provided. Collection method: clinical testing. Allele origin: germline. Affected: yes. Study: VKGL Data-share Consensus. Not counted in ClinVar's aggregate classification.

Laboratory of Diagnostic Genome Analysis, Leiden University Medical Center (LUMC)
Classification: Likely benign. Review status: no assertion criteria provided. Collection method: clinical testing. Allele origin: germline. Affected: yes. Study: VKGL Data-share Consensus. Not counted in ClinVar's aggregate classification.

Literature cited by the submitters: PubMed 17576681 (cited by Labcorp Genetics (formerly Invitae), Labcorp); PubMed 9536098 (cited by Labcorp Genetics (formerly Invitae), Labcorp).